The following is an entry in ClinVar:

ClinVar aggregate classification (germline): Uncertain significance (1 of 4 stars; one submission).

Allele frequency attached by ClinVar (database versions not stated): gnomAD exomes below 0.00001; ExAC 0.00001; gnomAD 0.00001; TOPMed 0.00001.
gnomAD v4.1: 6 of 1,613,510 alleles (0.00037%); highest among the groups gnomAD compares: Admixed American, 0.0017%; no homozygotes.

Submission:

CeGaT Center for Human Genetics Tuebingen
Classification: Uncertain significance. Last evaluated: 2023-01-01. Review status: criteria provided, single submitter. Criteria: CeGaT Center For Human Genetics Tuebingen Variant Classification Criteria Version 2. Collection method: clinical testing. Allele origin: germline. Affected: yes. Observed: 1 variant allele.
Comment: NDUFA9: PM2

NM_005002.5(NDUFA9):c.634A>G (p.Arg212Gly)

Gene: NDUFA9 (NADH:ubiquinone oxidoreductase subunit A9; plus strand). Cytogenetic location: 12p13.32.
Variant type: single nucleotide variant.
Coding change: c.634A>G on transcript NM_005002.5 (MANE Select); coding-DNA position 634, A replaced by G.
Protein change: p.Arg212Gly; replaces arginine 212 with glycine.
Molecular consequence: missense variant.
Genome position (GRCh38, 1-based): chr12:4,662,614, A>G. VCF-style: chr12-4662614-A-G. GRCh37 (hg19) VCF-style: chr12-4771780-A-G.
Other names: short protein forms R212G.
Identifiers: ClinVar variation 2498541 (VCV002498541.28), dbSNP rs757468784, ClinGen allele CA6398160.